The following is an entry in ClinVar:

ClinVar aggregate classification (germline): Uncertain significance. Review status: criteria provided, multiple submitters, no conflicts (2 of 4 stars). 2 submissions from 2 submitters: Uncertain significance (2). Last evaluated 2025-08-25.

Conditions:
Inborn genetic diseases. Identifiers: MedGen C0950123, MeSH D030342.

Allele frequency attached by ClinVar (database versions not stated): TOPMed below 0.00001.

Submissions (2):

Ambry Genetics
Classification: Uncertain significance for Inborn genetic diseases. Last evaluated: 2025-08-25. Review status: criteria provided, single submitter. Criteria: Ambry Variant Classification Scheme 2023. Collection method: clinical testing. Allele origin: germline.

Labcorp Genetics (formerly Invitae), Labcorp
Classification: Uncertain significance. Last evaluated: 2023-06-03. Review status: criteria provided, single submitter. Criteria: Invitae Variant Classification Sherloc (09022015). Collection method: clinical testing. Allele origin: germline.
Comment: In summary, the available evidence is currently insufficient to determine the role of this variant in disease. Therefore, it has been classified as a Variant of Uncertain Significance. Advanced modeling of protein sequence and biophysical properties (such as structural, functional, and spatial information, amino acid conservation, physicochemical variation, residue mobility, and thermodynamic stability) performed at Invitae indicates that this missense variant is not expected to disrupt SMARCA2 protein function. This variant has not been reported in the literature in individuals affected with SMARCA2-related conditions. This variant is not present in population databases (gnomAD no frequency). This sequence change replaces alanine, which is neutral and non-polar, with valine, which is neutral and non-polar, at codon 1215 of the SMARCA2 protein (p.Ala1215Val).

NM_003070.5(SMARCA2):c.3644C>T (p.Ala1215Val)

Gene: SMARCA2 (SWI/SNF related BAF chromatin remodeling complex subunit ATPase 2; plus strand). Cytogenetic location: 9p24.3.
Variant type: single nucleotide variant.
Coding change: c.3644C>T on transcript NM_003070.5 (MANE Select); coding-DNA position 3644, C replaced by T.
Protein change: p.Ala1215Val; replaces alanine 1215 with valine.
Molecular consequence: missense variant.
Genome position (GRCh38, 1-based): chr9:2,116,009, C>T. VCF-style: chr9-2116009-C-T. GRCh37 (hg19) VCF-style: chr9-2116009-C-T.
Other names: c.3644C>T, p.Ala1215Val (NM_001289396.2, NM_139045.4); c.3470C>T, p.Ala1157Val (NM_001289397.2); c.3644C>T (NM_003070.3); short protein forms A1157V, A1215V.
Identifiers: ClinVar variation 2802743 (VCV002802743.4), dbSNP rs1044338401, ClinGen allele CA187922956.